The following is an entry in ClinVar:

NM_000631.5(NCF4):c.330C>A (p.Asn110Lys)

Genes: NCF4 (neutrophil cytosolic factor 4; plus strand), NCF4-AS1 (NCF4 antisense RNA 1; minus strand). Cytogenetic location: 22q12.3.
Variant type: single nucleotide variant.
Coding change: c.330C>A on transcript NM_000631.5 (MANE Select); coding-DNA position 330, C replaced by A.
Protein change: p.Asn110Lys; replaces asparagine 110 with lysine.
Molecular consequence: missense variant.
Genome position (GRCh38, 1-based): chr22:36,867,450, C>A. VCF-style: chr22-36867450-C-A. GRCh37 (hg19) VCF-style: chr22-37263492-C-A.
Other names: c.330C>A, p.Asn110Lys (NM_013416.4); short protein forms N110K.
Identifiers: ClinVar variation 2122875 (VCV002122875.4), dbSNP rs373828331, ClinGen allele CA411381444.
Genomic context (GRCh38, chr22:36,867,450, plus strand): 5'-AGCCAAAGTCTACGTGGGTGTGAAACAGGAGATCGCCGAGATGCGGATACCTGCCCTCAA[C>A]GCCTACATGAAGGTACCAGTGGGCCTTGCCACCTTGGCACGTGGAAGGGCATGCAGTATT-3'
Protein context (NP_000622.2, residues 100-120): EIAEMRIPAL[Asn110Lys]AYMKSLLSLP

ClinVar aggregate classification (germline): Uncertain significance (1 of 4 stars; one submission).

Conditions:
Granulomatous disease, chronic, autosomal recessive, cytochrome b-positive, type 3. Also called: Granulomatous disease, chronic, autosomal recessive, cytochrome b-positive, type III; GRANULOMATOUS DISEASE, CHRONIC, AUTOSOMAL RECESSIVE, 3; CGD, AUTOSOMAL RECESSIVE CYTOCHROME b-POSITIVE, TYPE III; GRANULOMATOUS DISEASE, CHRONIC, DUE TO NCF4 DEFICIENCY. Identifiers: Orphanet 379, MedGen C3151409, MONDO:0013507, OMIM 613960.

Submission:

Labcorp Genetics (formerly Invitae), Labcorp
Classification: Uncertain significance for Granulomatous disease, chronic, autosomal recessive, cytochrome b-positive, type 3. Last evaluated: 2022-04-08. Review status: criteria provided, single submitter. Criteria: Invitae Variant Classification Sherloc (09022015). Collection method: clinical testing. Allele origin: germline.
Comment: Algorithms developed to predict the effect of missense changes on protein structure and function are either unavailable or do not agree on the potential impact of this missense change (SIFT: "Deleterious"; PolyPhen-2: "Probably Damaging"; Align-GVGD: "Class C0"). In summary, the available evidence is currently insufficient to determine the role of this variant in disease. Therefore, it has been classified as a Variant of Uncertain Significance. This variant has not been reported in the literature in individuals affected with NCF4-related conditions. This variant is not present in population databases (gnomAD no frequency). This sequence change replaces asparagine, which is neutral and polar, with lysine, which is basic and polar, at codon 110 of the NCF4 protein (p.Asn110Lys).